The following is an entry in ClinVar:

ClinVar aggregate classification (germline): Uncertain significance (1 of 4 stars; one submission).

Conditions:
Long QT syndrome (LQTS). Identifiers: MedGen C0023976, MeSH D008133, MONDO:0002442. Disease mechanism: loss of function. Inheritance: Various modes of inheritance.

Allele frequency attached by ClinVar (database versions not stated): gnomAD exomes below 0.00001; ExAC 0.00001.
gnomAD v4.1: 1 of 1,614,060 alleles (0.000062%); highest among the groups gnomAD compares: Non-Finnish European, 0.000085%; no homozygotes.

Submission:

Labcorp Genetics (formerly Invitae), Labcorp
Classification: Uncertain significance for Long QT syndrome. Last evaluated: 2022-03-19. Review status: criteria provided, single submitter. Criteria: Invitae Variant Classification Sherloc (09022015). Collection method: clinical testing. Allele origin: germline.
Comment: This variant has not been reported in the literature in individuals affected with SNTA1-related conditions. In summary, the available evidence is currently insufficient to determine the role of this variant in disease. Therefore, it has been classified as a Variant of Uncertain Significance. Algorithms developed to predict the effect of sequence changes on RNA splicing suggest that this variant may create or strengthen a splice site. Algorithms developed to predict the effect of missense changes on protein structure and function are either unavailable or do not agree on the potential impact of this missense change (SIFT: "Deleterious"; PolyPhen-2: "Probably Damaging"; Align-GVGD: "Class C0"). ClinVar contains an entry for this variant (Variation ID: 653586). This variant is not present in population databases (gnomAD no frequency). This sequence change replaces aspartic acid, which is acidic and polar, with tyrosine, which is neutral and polar, at codon 188 of the SNTA1 protein (p.Asp188Tyr).

NM_003098.3(SNTA1):c.562G>T (p.Asp188Tyr)

Gene: SNTA1 (syntrophin alpha 1; minus strand). Cytogenetic location: 20q11.21.
Variant type: single nucleotide variant.
Coding change: c.562G>T on transcript NM_003098.3 (MANE Select); coding-DNA position 562, G replaced by T.
Protein change: p.Asp188Tyr; replaces aspartic acid 188 with tyrosine.
Molecular consequence: missense variant.
Genome position (GRCh38, 1-based): chr20:33,417,858, C>A on the plus strand (G>T on the coding strand, the complement: SNTA1 is on the minus strand). VCF-style: chr20-33417858-C-A. GRCh37 (hg19) VCF-style: chr20-32005664-C-A.
Other names: short protein forms D188Y.
Identifiers: ClinVar variation 653586 (VCV000653586.8), dbSNP rs750125166, ClinGen allele CA9817192.